The following is an entry in ClinVar:

ClinVar aggregate classification (germline): Benign (0 of 4 stars; one submission).

Conditions:
CCDC18-related disorder. Also called: CCDC18-related condition.

Allele frequency attached by ClinVar (database versions not stated): ExAC 0.00063; TOPMed 0.00201; gnomAD 0.00206; ESP Exome Variant Server 0.00210; 1000 Genomes Project 30x 0.00234; 1000 Genomes Project 0.00300.
gnomAD v4.1: 600 of 1,613,582 alleles (0.037%); highest among the groups gnomAD compares: African/African-American, 0.7%; 3 homozygotes.

Submission:

PreventionGenetics, part of Exact Sciences
Classification: Benign for CCDC18-related condition. Last evaluated: 2019-10-28. Review status: no assertion criteria provided. Collection method: clinical testing. Allele origin: germline.
Comment: This variant is classified as benign based on ACMG/AMP sequence variant interpretation guidelines (Richards et al. 2015 PMID: 25741868, with internal and published modifications).

NM_001378204.1(CCDC18):c.3807T>A (p.Asp1269Glu)

Gene: CCDC18 (coiled-coil domain containing 18; plus strand). Cytogenetic location: 1p22.1.
Variant type: single nucleotide variant.
Coding change: c.3807T>A on transcript NM_001378204.1 (MANE Select); coding-DNA position 3807, T replaced by A.
Protein change: p.Asp1269Glu; replaces aspartic acid 1269 with glutamic acid.
Molecular consequence: missense variant.
Genome position (GRCh38, 1-based): chr1:93,264,823, T>A. VCF-style: chr1-93264823-T-A. GRCh37 (hg19) VCF-style: chr1-93730380-T-A.
Other names: c.3804T>A, p.Asp1268Glu (NM_001306076.1); c.3807T>A, p.Asp1269Glu (NM_206886.4); short protein forms D1268E, D1269E.
Identifiers: ClinVar variation 3040891 (VCV003040891.2), dbSNP rs139422966, ClinGen allele CA954689.
Genomic context (GRCh38, chr1:93,264,823, plus strand): 5'-TGTTCAGCAACTAAACGAACAGTTAGAGAAGGCAAAATTGGAATTAGAAGAAGCTCAGGA[T>A]ACTGTAAGCAATTTGCATCAACAAGTCCAAGATAGGAATGAAGTAATTGAAGCTGCAAAT-3'
Protein context (NP_001365133.1, residues 1259-1279): KAKLELEEAQ[Asp1269Glu]TVSNLHQQVQ